The following is an entry in ClinVar:

ClinVar aggregate classification (germline): Uncertain significance. Review status: criteria provided, multiple submitters, no conflicts (2 of 4 stars). 2 submissions from 2 submitters: Uncertain significance (2). Last evaluated 2024-06-23.

Conditions:
Brachyolmia-amelogenesis imperfecta syndrome. Also called: Tooth agenesis, selective, 6; Dental anomalies and short stature; PLATYSPONDYLY WITH AMELOGENESIS IMPERFECTA. Identifiers: Orphanet 2899, MedGen C1832594, MONDO:0011018, OMIM 601216. Disease mechanism: loss of function.
Inborn genetic diseases. Identifiers: MedGen C0950123, MeSH D030342.

Submissions (2):

Ambry Genetics
Classification: Uncertain significance for Inborn genetic diseases. Last evaluated: 2024-06-23. Review status: criteria provided, single submitter. Criteria: Ambry Variant Classification Scheme 2023. Collection method: clinical testing. Allele origin: germline.
Comment: The p.R269G variant (also known as c.805C>G), located in coding exon 3 of the LTBP3 gene, results from a C to G substitution at nucleotide position 805. The arginine at codon 269 is replaced by glycine, an amino acid with dissimilar properties. This amino acid position is conserved. In addition, the in silico prediction for this alteration is inconclusive. Based on the available evidence, the clinical significance of this variant remains unclear.

Labcorp Genetics (formerly Invitae), Labcorp
Classification: Uncertain significance for Brachyolmia-amelogenesis imperfecta syndrome. Last evaluated: 2022-09-04. Review status: criteria provided, single submitter. Criteria: Invitae Variant Classification Sherloc (09022015). Collection method: clinical testing. Allele origin: germline.
Comment: In summary, the available evidence is currently insufficient to determine the role of this variant in disease. Therefore, it has been classified as a Variant of Uncertain Significance. Algorithms developed to predict the effect of missense changes on protein structure and function (SIFT, PolyPhen-2, Align-GVGD) all suggest that this variant is likely to be tolerated. This variant has not been reported in the literature in individuals affected with LTBP3-related conditions. This variant is not present in population databases (gnomAD no frequency). This sequence change replaces arginine, which is basic and polar, with glycine, which is neutral and non-polar, at codon 269 of the LTBP3 protein (p.Arg269Gly).

NM_001130144.3(LTBP3):c.805C>G (p.Arg269Gly)

Gene: LTBP3 (latent transforming growth factor beta binding protein 3; minus strand). Cytogenetic location: 11q13.1.
Variant type: single nucleotide variant.
Coding change: c.805C>G on transcript NM_001130144.3 (MANE Select); coding-DNA position 805, C replaced by G.
Protein change: p.Arg269Gly; replaces arginine 269 with glycine.
Molecular consequence: missense variant.
Genome position (GRCh38, 1-based): chr11:65,553,760, G>C on the plus strand (C>G on the coding strand, the complement: LTBP3 is on the minus strand). VCF-style: chr11-65553760-G-C. GRCh37 (hg19) VCF-style: chr11-65321231-G-C.
Other names: c.454C>G, p.Arg152Gly (NM_001164266.1); c.805C>G, p.Arg269Gly (NM_021070.4); c.805C>G (NM_001130144.2); short protein forms R152G, R269G.
Identifiers: ClinVar variation 1974940 (VCV001974940.6), dbSNP rs1401802007, ClinGen allele CA381275705.
Genomic context (GRCh38, chr11:65,553,760, plus strand): 5'-CCGGCTGCTTGGGCAGAGTGTCCTGAAAGCAGCGGCCCAGGGGCTTCTGGGTGGGCGGCC[G>C]GGGGTGCGAGGGCTTGGGGTGCGGCAGCAGGTGCTGGGAGGGGGCTGCGCTCTCGGCGTT-3'
Protein context (NP_001123616.1, residues 259-279): LLPHPKPSHP[Arg269Gly]PPTQKPLGRC